The following is an entry in ClinVar:

ClinVar aggregate classification (germline): Uncertain significance (1 of 4 stars; one submission).

Conditions:
Neurofibromatosis, type 1 (NF1). Also called: Neurofibromatosis, type I; Peripheral type neurofibromatosis; VON RECKLINGHAUSEN DISEASE; NEUROFIBROMATOSIS, TYPE I, SOMATIC. Identifiers: Orphanet 636, MedGen C0027831, MONDO:0018975, OMIM 162200. Disease mechanism: loss of function.

Allele frequency attached by ClinVar (database versions not stated): gnomAD exomes below 0.00001.
gnomAD v4.1: 2 of 1,614,060 alleles (0.00012%); highest among the groups gnomAD compares: Non-Finnish European, 0.00017%; no homozygotes.

Submission:

Labcorp Genetics (formerly Invitae), Labcorp
Classification: Uncertain significance for Neurofibromatosis, type 1. Last evaluated: 2019-11-20. Review status: criteria provided, single submitter. Criteria: Invitae Variant Classification Sherloc (09022015). Collection method: clinical testing. Allele origin: germline.
Comment: This sequence change replaces isoleucine with methionine at codon 2342 of the NF1 protein (p.Ile2342Met). The isoleucine residue is moderately conserved and there is a small physicochemical difference between isoleucine and methionine. This variant is not present in population databases (ExAC no frequency). This variant has not been reported in the literature in individuals with NF1-related conditions. Algorithms developed to predict the effect of missense changes on protein structure and function (SIFT, PolyPhen-2, Align-GVGD) all suggest that this variant is likely to be tolerated, but these predictions have not been confirmed by published functional studies and their clinical significance is uncertain. In summary, the available evidence is currently insufficient to determine the role of this variant in disease. Therefore, it has been classified as a Variant of Uncertain Significance.

NM_001042492.3(NF1):c.7089C>G (p.Ile2363Met)

Gene: NF1 (neurofibromin 1; plus strand). Cytogenetic location: 17q11.2.
Variant type: single nucleotide variant.
Coding change: c.7089C>G on transcript NM_001042492.3 (MANE Select); coding-DNA position 7089, C replaced by G.
Protein change: p.Ile2363Met; replaces isoleucine 2363 with methionine.
Molecular consequence: missense variant.
Genome position (GRCh38, 1-based): chr17:31,343,035, C>G. VCF-style: chr17-31343035-C-G. GRCh37 (hg19) VCF-style: chr17-29670053-C-G.
Other names: c.7026C>G, p.Ile2342Met (NM_000267.4); short protein forms I2363M, I2342M.
Identifiers: ClinVar variation 966274 (VCV000966274.1), dbSNP rs2069866501, ClinGen allele CA399015559.